The following is an entry in ClinVar:

ClinVar aggregate classification (germline): Uncertain significance. Review status: criteria provided, multiple submitters, no conflicts (2 of 4 stars). 2 submissions from 2 submitters: Uncertain significance (2). Last evaluated 2022-04-08.

Conditions:
Hereditary cancer-predisposing syndrome. Also called: Hereditary neoplastic syndrome; Neoplastic Syndromes, Hereditary; Hereditary Cancer Syndrome; Tumor predisposition. Identifiers: Orphanet 140162, MedGen C0027672, MeSH D009386, MONDO:0015356.
Tuberous sclerosis 2 (TSC2). Identifiers: Orphanet 805, MedGen C1860707, MONDO:0013199, OMIM 613254.

Submissions (2):

Ambry Genetics
Classification: Uncertain significance for Hereditary cancer-predisposing syndrome. Last evaluated: 2022-04-08. Review status: criteria provided, single submitter. Criteria: Ambry Variant Classification Scheme 2023. Collection method: clinical testing. Allele origin: germline.
Comment: The p.D1004A variant (also known as c.3011A>C), located in coding exon 26 of the TSC2 gene, results from an A to C substitution at nucleotide position 3011. The aspartic acid at codon 1004 is replaced by alanine, an amino acid with dissimilar properties. This amino acid position is conserved. In addition, this alteration is predicted to be deleterious by in silico analysis. Since supporting evidence is limited at this time, the clinical significance of this alteration remains unclear.

Labcorp Genetics (formerly Invitae), Labcorp
Classification: Uncertain significance for Tuberous sclerosis 2. Last evaluated: 2021-11-22. Review status: criteria provided, single submitter. Criteria: Invitae Variant Classification Sherloc (09022015). Collection method: clinical testing. Allele origin: germline.
Comment: In summary, the available evidence is currently insufficient to determine the role of this variant in disease. Therefore, it has been classified as a Variant of Uncertain Significance. Advanced modeling of protein sequence and biophysical properties (such as structural, functional, and spatial information, amino acid conservation, physicochemical variation, residue mobility, and thermodynamic stability) performed at Invitae indicates that this missense variant is not expected to disrupt TSC2 protein function. This variant has not been reported in the literature in individuals affected with TSC2-related conditions. This variant is not present in population databases (gnomAD no frequency). This sequence change replaces aspartic acid, which is acidic and polar, with alanine, which is neutral and non-polar, at codon 1004 of the TSC2 protein (p.Asp1004Ala).

NM_000548.5(TSC2):c.3011A>C (p.Asp1004Ala)

Gene: TSC2 (TSC complex subunit 2; plus strand). Cytogenetic location: 16p13.3.
Variant type: single nucleotide variant.
Coding change: c.3011A>C on transcript NM_000548.5 (MANE Select); coding-DNA position 3011, A replaced by C.
Protein change: p.Asp1004Ala; replaces aspartic acid 1004 with alanine.
Molecular consequence: missense variant.
Genome position (GRCh38, 1-based): chr16:2,079,076, A>C. VCF-style: chr16-2079076-A-C. GRCh37 (hg19) VCF-style: chr16-2129077-A-C.
Other names: c.2879A>C, p.Asp960Ala (NM_001077183.3, NM_001370404.1); c.3011A>C, p.Asp1004Ala (NM_001114382.3); c.2771A>C, p.Asp924Ala (NM_001318827.2); c.2735A>C, p.Asp912Ala (NM_001318829.2); c.2279A>C, p.Asp760Ala (NM_001318831.2); c.2912A>C, p.Asp971Ala (NM_001318832.2); c.2882A>C, p.Asp961Ala (NM_001363528.2, NM_001370405.1, NM_021055.3); short protein forms D760A, D924A, D961A, D912A, D960A, D971A, D1004A.
Identifiers: ClinVar variation 1394453 (VCV001394453.8), dbSNP rs2151431476, ClinGen allele CA394283841.
Genomic context (GRCh38, chr16:2,079,076, plus strand): 5'-CGGCCTCTCCCTCCAGCAGGATACAGACGTCCCTCACCAGTGCCAGCTTGGGGTCTGCAG[A>C]TGAGAACTCCGTGGCCCAGGCTGACGATAGCCTGAAAAACCTCCACCTGGAGCTCACGGA-3'
Protein context (NP_000539.2, residues 994-1014): SLTSASLGSA[Asp1004Ala]ENSVAQADDS